The following is an entry in ClinVar:

ClinVar aggregate classification (germline): Benign/Likely benign. Review status: criteria provided, multiple submitters, no conflicts (2 of 4 stars). 8 submissions from 7 submitters: Benign (1); Likely benign (5). 2 of the submissions do not count toward it. Last evaluated 2026-01-04.

Conditions:
Pheochromocytoma. Also called: MAX-Related Hereditary Paraganglioma-Pheochromocytoma Syndrome. Identifiers: Orphanet 29072, MedGen C0031511, MONDO:0008233, OMIM 171300, HP:0002666.
Hirschsprung disease, susceptibility to, 1 (HSCR1). Also called: RET-Related Hirschsprung Disease. Identifiers: Orphanet 388, MedGen C3888239, MONDO:0007723, OMIM 142623.
Familial medullary thyroid carcinoma (MTC). Also called: Thyroid cancer, familial medullary; MTC, familial; Familial Medullary Thyroid Carcinoma (FMTC). Identifiers: Orphanet 653, Orphanet 99361, MedGen C1833921, MONDO:0007958, OMIM 155240.
Multiple endocrine neoplasia type 2B. Also called: WAGENMANN-FROBOESE SYNDROME; MULTIPLE ENDOCRINE NEOPLASIA, TYPE III; MEN 2B; MUCOSAL NEUROMA SYNDROME; MULTIPLE ENDOCRINE NEOPLASIA, TYPE IIB; MEN IIB. Identifiers: Orphanet 247709, Orphanet 653, MedGen C0025269, MeSH D018814, MONDO:0008082, OMIM 162300.
Multiple endocrine neoplasia type 2A. Also called: MULTIPLE ENDOCRINE NEOPLASIA, TYPE IIA; PTC SYNDROME; SIPPLE SYNDROME; MEN 2A; MEN-2A syndrome; Pheochromocytoma and amyloid producing medullary thyroid carcinoma. Identifiers: Orphanet 247698, Orphanet 653, MedGen C0025268, MeSH D018813, MONDO:0008234, OMIM 171400.
Hereditary cancer-predisposing syndrome. Also called: Tumor predisposition; Hereditary neoplastic syndrome; Neoplastic Syndromes, Hereditary; Hereditary Cancer Syndrome. Identifiers: Orphanet 140162, MedGen C0027672, MeSH D009386, MONDO:0015356.
Multiple endocrine neoplasia, type 2 (MEN2). Identifiers: Orphanet 653, MedGen C4048306, MONDO:0019003. Disease mechanism: gain of function.

Allele frequency attached by ClinVar (database versions not stated): ExAC 0.00006; gnomAD 0.00009; 1000 Genomes Project 0.00040; 1000 Genomes Project 30x 0.00062; gnomAD exomes 0.00001 and 0.00002; TOPMed 0.00004.
gnomAD v4.1: 29 of 1,601,406 alleles (0.0018%); highest among the groups gnomAD compares: African/African-American, 0.025%; no homozygotes.

Submissions (8):

Labcorp Genetics (formerly Invitae), Labcorp
Classification: Likely benign for Multiple endocrine neoplasia, type 2. Last evaluated: 2026-01-04. Review status: criteria provided, single submitter. Criteria: Invitae Variant Classification Sherloc (09022015). Collection method: clinical testing. Allele origin: germline.

All of Us Research Program, National Institutes of Health
Classification: Likely benign for Multiple endocrine neoplasia, type 2. Last evaluated: 2023-11-02. Review status: criteria provided, single submitter. Criteria: ACMG Guidelines, 2015. Collection method: clinical testing. Allele origin: germline. Inheritance: Autosomal dominant inheritance. Observed: 2 variant alleles, 2 heterozygotes.
Comment: This study involves interpretation of variants in research participants for the purpose of population health screening. Participant phenotype was not available at the time of variant classification. Additional details can be found in publication PMID: 35346344, PMCID: PMC8962531

Myriad Genetics, Inc.
Classification: Benign for Multiple endocrine neoplasia type 2A. Last evaluated: 2023-04-18. Review status: criteria provided, single submitter. Criteria: Myriad Autosomal Dominant, Autosomal Recessive and X-Linked Classification Criteria (2023). Collection method: clinical testing. Allele origin: unknown.
Comment: This variant is considered benign. This variant is a silent/synonymous amino acid change and it is not expected to impact splicing.

Color Diagnostics, LLC DBA Color Health
Classification: Likely benign for Multiple endocrine neoplasia, type 2. Last evaluated: 2022-11-06. Review status: criteria provided, single submitter. Criteria: ACMG Guidelines, 2015. Collection method: clinical testing. Allele origin: germline.

Fulgent Genetics
Classification: Likely benign for Hirschsprung disease, susceptibility to, 1; Familial medullary thyroid carcinoma; Multiple endocrine neoplasia type 2B; Pheochromocytoma; Multiple endocrine neoplasia type 2A. Last evaluated: 2022-02-17. Review status: criteria provided, single submitter. Criteria: ACMG Guidelines, 2015. Collection method: clinical testing. Allele origin: unknown.

Ambry Genetics
Classification: Likely benign for Hereditary cancer-predisposing syndrome. Last evaluated: 2017-01-04. Review status: criteria provided, single submitter. Criteria: Ambry Variant Classification Scheme 2023. Collection method: clinical testing. Allele origin: germline.

Counsyl
Classification: Likely benign for Multiple endocrine neoplasia type 2B. Last evaluated: 2016-10-05. Review status: no assertion criteria provided. Collection method: clinical testing. Allele origin: unknown. Not counted in ClinVar's aggregate classification.

Counsyl
Classification: Likely benign for Multiple endocrine neoplasia type 2A. Last evaluated: 2016-10-05. Review status: no assertion criteria provided. Collection method: clinical testing. Allele origin: unknown. Not counted in ClinVar's aggregate classification.

NM_020975.6(RET):c.1530C>T (p.Ala510=)

Gene: RET (ret proto-oncogene; plus strand). Cytogenetic location: 10q11.21.
Variant type: single nucleotide variant.
Coding change: c.1530C>T on transcript NM_020975.6 (MANE Select); coding-DNA position 1530, C replaced by T.
Protein change: p.Ala510=; no amino-acid change (alanine 510 retained).
Molecular consequence: synonymous variant.
Genome position (GRCh38, 1-based): chr10:43,112,106, C>T. VCF-style: chr10-43112106-C-T. GRCh37 (hg19) VCF-style: chr10-43607554-C-T.
Other names: c.1530C>T, p.Ala510= (NM_000323.2, NM_001406743.1, NM_001406744.1 and 6 more transcripts); c.768C>T, p.Ala256= (NM_001355216.2); c.1401C>T, p.Ala467= (NM_001406761.1, NM_001406762.1, NM_001406764.1 and 1 more transcripts); c.1242C>T, p.Ala414= (NM_001406766.1, NM_001406767.1, NM_001406770.1); c.1134C>T, p.Ala378= (NM_001406769.1, NM_001406772.1); c.1092C>T, p.Ala364= (NM_001406771.1, NM_001406773.1); c.1005C>T, p.Ala335= (NM_001406774.1); c.804C>T, p.Ala268= (NM_001406775.1, NM_001406776.1, NM_001406777.1 and 1 more transcripts); and 5 more.
Identifiers: ClinVar variation 219959 (VCV000219959.22), dbSNP rs553492964, ClinGen allele CA034308.